The following is an entry in ClinVar:

NM_005026.5(PIK3CD):c.1955+5C>T

Gene: PIK3CD (phosphatidylinositol-4,5-bisphosphate 3-kinase catalytic subunit delta; plus strand). Cytogenetic location: 1p36.22.
Variant type: single nucleotide variant.
Coding change: c.1955+5C>T on transcript NM_005026.5 (MANE Select); 5 bases into the intron after coding-DNA position 1955, C replaced by T.
Molecular consequence: intron variant.
Genome position (GRCh38, 1-based): chr1:9,721,592, C>T. VCF-style: chr1-9721592-C-T. GRCh37 (hg19) VCF-style: chr1-9781650-C-T.
Other names: c.1955+5C>T (LRG_191t1); c.1952+5C>T (NM_001350234.2); c.1868+5C>T (NM_001350235.1).
Identifiers: ClinVar variation 643256 (VCV000643256.12), dbSNP rs201785210, ClinGen allele CA577368.

ClinVar aggregate classification (germline): Conflicting classifications of pathogenicity. Review status: criteria provided, conflicting classifications (1 of 4 stars). 6 submissions from 5 submitters: Uncertain significance (4); Likely benign (1). 1 of the submissions does not count toward it. Last evaluated 2025-09-29.

Conditions:
Immunodeficiency 14 (IMD14A). Also called: p110-DELTA-ACTIVATING MUTATION CAUSING SENESCENT T CELLS, LYMPHADENOPATHY, AND IMMUNODEFICIENCY; IMMUNODEFICIENCY 14A WITH LYMPHOPROLIFERATION, AUTOSOMAL DOMINANT; ACTIVATED PI3K-DELTA SYNDROME 1; Activated PI3K Delta Syndrome Type 1 (APDS1). Identifiers: Orphanet 397596, Orphanet 693661, MedGen C5907821, MONDO:0014222, OMIM 615513.
Immunodeficiency 14b, autosomal recessive. Identifiers: MedGen C5543301, MONDO:0023655, OMIM 619281.
Combined immunodeficiency with faciooculoskeletal anomalies. Also called: Roifman-Chitayat syndrome, digenic; Roifman-Chitayat syndrome; COMBINED IMMUNODEFICIENCY, FACIAL DYSMORPHISM, OPTIC NERVE ATROPHY, SKELETAL ANOMALIES, AND DEVELOPMENTAL DELAY. Identifiers: Orphanet 221139, MedGen C2750068, MONDO:0013226, OMIM 613328.

Allele frequency attached by ClinVar (database versions not stated): gnomAD 0.00001 and 0.00003; gnomAD exomes 0.00002 and 0.00003; 1000 Genomes Project 30x 0.00016; 1000 Genomes Project 0.00020; TOPMed 0.00003; ExAC 0.00001.
gnomAD v4.1: 48 of 1,612,678 alleles (0.003%); highest among the groups gnomAD compares: Middle Eastern, 0.2%; 1 homozygote.

Submissions (6):

Labcorp Genetics (formerly Invitae), Labcorp
Classification: Uncertain significance for Activated PI3K-delta syndrome. Last evaluated: 2025-09-29. Review status: criteria provided, single submitter. Criteria: Invitae Variant Classification Sherloc (09022015). Collection method: clinical testing. Allele origin: germline.
Comment: This sequence change falls in intron 15 of the PIK3CD gene. It does not directly change the encoded amino acid sequence of the PIK3CD protein. It affects a nucleotide within the consensus splice site. This variant is present in population databases (rs201785210, gnomAD 0.005%). This variant has been observed in individual(s) with clinical features of PIK3CD-related conditions (PMID: 36703223). ClinVar contains an entry for this variant (Variation ID: 643256). Variants that disrupt the consensus splice site are a relatively common cause of aberrant splicing (PMID: 17576681, 9536098). Algorithms developed to predict the effect of sequence changes on RNA splicing suggest that this variant is not likely to affect RNA splicing. In summary, the available evidence is currently insufficient to determine the role of this variant in disease. Therefore, it has been classified as a Variant of Uncertain Significance.

Blueprint Genetics
Classification: Likely benign. Last evaluated: 2024-10-09. Review status: criteria provided, single submitter. Criteria: ACMG Guidelines, 2015. Collection method: clinical testing. Allele origin: germline.

Dubai Health Genomic Medicine Center, Dubai Health
Classification: Uncertain significance. Last evaluated: 2022-12-17. Review status: criteria provided, single submitter. Criteria: ACMG Guidelines, 2015. Collection method: clinical testing. Allele origin: germline. Affected: yes.

Fulgent Genetics
Classification: Uncertain significance for Combined immunodeficiency with faciooculoskeletal anomalies; Immunodeficiency 14; Immunodeficiency 14b, autosomal recessive. Last evaluated: 2021-12-17. Review status: criteria provided, single submitter. Criteria: ACMG Guidelines, 2015. Collection method: clinical testing. Allele origin: unknown.

Breakthrough Genomics
Classification: Uncertain significance. Review status: criteria provided, single submitter. Criteria: ACMG Guidelines, 2015. Collection method: not provided. Allele origin: germline. Inheritance: Autosomal recessive inheritance. Affected: yes.

Dubai Health Genomic Medicine Center, Dubai Health
Classification: Uncertain significance for Immunodeficiency 14. Last evaluated: 2020-11-22. Review status: flagged submission. Criteria: ACMG Guidelines, 2015. Collection method: clinical testing. Allele origin: germline. Affected: yes. Not counted in ClinVar's aggregate classification.
Comment: The c.1955+5C>T variant in PIK3CD has not been previously reported in affected individuals but was observed in 7/248636 (0.03% 0 homozygotes) total alleles in the Genome Aggregation Database (gnomAD). This variant is located in the 5' splice region. Computational tools do not suggest an impact to splicing though this information is not predictive enough to rule out pathogenicity. The clinical significance of this variant was interpreted as uncertain by another clinical laboratory (ClinVar ID: 643256). In summary additional information is needed to fully assess its clinical significance.
ClinVar note: Reason: This record appears to be redundant with a more recent record from the same submitter.
ClinVar note: Notes: SCV001984325 appears to be redundant with SCV002774982.

Literature cited by the submitters: PubMed 36703223 (cited by Labcorp Genetics (formerly Invitae), Labcorp); PubMed 17576681 (cited by Labcorp Genetics (formerly Invitae), Labcorp); PubMed 9536098 (cited by Labcorp Genetics (formerly Invitae), Labcorp).